The following is an entry in ClinVar:

ClinVar aggregate classification (germline): Uncertain significance (1 of 4 stars; one submission).

Allele frequency attached by ClinVar (database versions not stated): gnomAD exomes below 0.00001; gnomAD 0.00001; TOPMed 0.00003.
gnomAD v4.1: 4 of 1,593,606 alleles (0.00025%); highest among the groups gnomAD compares: African/African-American, 0.004%; no homozygotes.

Submission:

Labcorp Genetics (formerly Invitae), Labcorp
Classification: Uncertain significance. Last evaluated: 2022-05-25. Review status: criteria provided, single submitter. Criteria: Invitae Variant Classification Sherloc (09022015). Collection method: clinical testing. Allele origin: germline.
Comment: This sequence change replaces aspartic acid, which is acidic and polar, with glycine, which is neutral and non-polar, at codon 869 of the ERCC6 protein (p.Asp869Gly). This variant is present in population databases (no rsID available, gnomAD 0.01%). This variant has not been reported in the literature in individuals affected with ERCC6-related conditions. Algorithms developed to predict the effect of missense changes on protein structure and function (SIFT, PolyPhen-2, Align-GVGD) all suggest that this variant is likely to be tolerated. Algorithms developed to predict the effect of sequence changes on RNA splicing suggest that this variant may disrupt the consensus splice site. In summary, the available evidence is currently insufficient to determine the role of this variant in disease. Therefore, it has been classified as a Variant of Uncertain Significance.

NM_000124.4(ERCC6):c.2606A>G (p.Asp869Gly)

Gene: ERCC6 (ERCC excision repair 6, chromatin remodeling factor; minus strand). Cytogenetic location: 10q11.23.
Variant type: single nucleotide variant.
Coding change: c.2606A>G on transcript NM_000124.4 (MANE Select); coding-DNA position 2606, A replaced by G.
Protein change: p.Asp869Gly; replaces aspartic acid 869 with glycine.
Molecular consequence: missense variant.
Genome position (GRCh38, 1-based): chr10:49,473,580, T>C on the plus strand (A>G on the coding strand, the complement: ERCC6 is on the minus strand). VCF-style: chr10-49473580-T-C. GRCh37 (hg19) VCF-style: chr10-50681626-T-C.
Other names: c.2606A>G, p.Asp869Gly (NM_001346440.2); short protein forms D869G.
Identifiers: ClinVar variation 2180785 (VCV002180785.1), dbSNP rs1003526208, ClinGen allele CA206587440.
Genomic context (GRCh38, chr10:49,473,580, plus strand): 5'-GTGGTACCATCCATCTTGAGATAGGTATACTTTTGGGCTCTAAGGAATACTTCAAGTATG[T>C]CCAGCATCTGTTTGGAGGTGGGGGATAGGAGTTTGCAAAGCAAATACACATTCCCAGTGA-3'
Protein context (NP_000115.1, residues 859-879): LLFSQSRQML[Asp869Gly]ILEVFLRAQK